The following is an entry in ClinVar:

NM_002691.4(POLD1):c.1137+10G>A

Gene: POLD1 (DNA polymerase delta 1, catalytic subunit; plus strand). Cytogenetic location: 19q13.33.
Variant type: single nucleotide variant.
Coding change: c.1137+10G>A on transcript NM_002691.4 (MANE Select); 10 bases into the intron after coding-DNA position 1137, G replaced by A.
Molecular consequence: intron variant.
Genome position (GRCh38, 1-based): chr19:50,403,229, G>A. VCF-style: chr19-50403229-G-A. GRCh37 (hg19) VCF-style: chr19-50906486-G-A.
Other names: c.1137+10G>A (LRG_785t1, NM_001308632.1, LRG_785t2 and 1 more transcripts).
Identifiers: ClinVar variation 371963 (VCV000371963.18), dbSNP rs367666867, ClinGen allele CA9596028.

ClinVar aggregate classification (germline): Likely benign. Review status: criteria provided, multiple submitters, no conflicts (2 of 4 stars). 6 submissions from 6 submitters: Likely benign (4). 2 of the submissions do not count toward it. Last evaluated 2026-01-25.

Conditions:
POLD1-related polyposis and colorectal cancer syndrome (CRCS10). Also called: Colorectal cancer, susceptibility to, 10; Colorectal cancer 10; COLORECTAL CANCER, SUSCEPTIBILITY TO, ON CHROMOSOME 19q. Identifiers: Orphanet 220460, MedGen C2675481, MONDO:0012953, OMIM 612591.
POLD1-related disorder. Also called: POLD1-related disorders; POLD1-related condition.

Allele frequency attached by ClinVar (database versions not stated): gnomAD 0.00002 and 0.00003; gnomAD exomes 0.00005 and 0.00008; ESP Exome Variant Server 0.00016; ExAC 0.00018.
gnomAD v4.1: 114 of 1,540,298 alleles (0.0074%); highest among the groups gnomAD compares: Non-Finnish European, 0.0087%; no homozygotes.

Submissions (6):

Labcorp Genetics (formerly Invitae), Labcorp
Classification: Likely benign for POLD1-related polyposis and colorectal cancer syndrome. Last evaluated: 2026-01-25. Review status: criteria provided, single submitter. Criteria: Invitae Variant Classification Sherloc (09022015). Collection method: clinical testing. Allele origin: germline.

Myriad Genetics, Inc.
Classification: Likely benign for POLD1-related polyposis and colorectal cancer syndrome. Last evaluated: 2023-04-19. Review status: criteria provided, single submitter. Criteria: Myriad Autosomal Dominant, Autosomal Recessive and X-Linked Classification Criteria (2023). Collection method: clinical testing. Allele origin: unknown.
Comment: This variant is considered likely benign. This variant is intronic and is not expected to impact mRNA splicing.

Quest Diagnostics Nichols Institute San Juan Capistrano
Classification: Likely benign. Last evaluated: 2018-01-05. Review status: criteria provided, single submitter. Criteria: Quest Diagnostics criteria. Collection method: clinical testing. Allele origin: germline.

GeneDx
Classification: Likely benign. Last evaluated: 2016-11-29. Review status: criteria provided, single submitter. Criteria: GeneDx Variant Classification (06012015). Collection method: clinical testing. Allele origin: germline. Affected: yes.
Comment: This variant is considered likely benign or benign based on one or more of the following criteria: it is a conservative change, it occurs at a poorly conserved position in the protein, it is predicted to be benign by multiple in silico algorithms, and/or has population frequency not consistent with disease.

PreventionGenetics, part of Exact Sciences
Classification: Likely benign for POLD1-related condition. Last evaluated: 2023-05-23. Review status: no assertion criteria provided. Collection method: clinical testing. Allele origin: germline. Not counted in ClinVar's aggregate classification.
Comment: This variant is classified as likely benign based on ACMG/AMP sequence variant interpretation guidelines (Richards et al. 2015 PMID: 25741868, with internal and published modifications).

Counsyl
Classification: Likely benign for POLD1-related polyposis and colorectal cancer syndrome. Last evaluated: 2016-09-13. Review status: no assertion criteria provided. Collection method: clinical testing. Allele origin: unknown. Not counted in ClinVar's aggregate classification.